The following is an entry in ClinVar:

NM_000094.4(COL7A1):c.933C>G (p.Tyr311Ter)

Gene: COL7A1 (collagen type VII alpha 1 chain; minus strand). Cytogenetic location: 3p21.31.
Variant type: single nucleotide variant.
Coding change: c.933C>G on transcript NM_000094.4 (MANE Select); coding-DNA position 933, C replaced by G.
Protein change: p.Tyr311Ter; replaces tyrosine 311 with a stop codon.
Molecular consequence: nonsense.
Genome position (GRCh38, 1-based): chr3:48,592,613, G>C on the plus strand (C>G on the coding strand, the complement: COL7A1 is on the minus strand). VCF-style: chr3-48592613-G-C. GRCh37 (hg19) VCF-style: chr3-48630046-G-C.
Other names: short protein forms Y311*.
Identifiers: ClinVar variation 2086404 (VCV002086404.4), dbSNP rs121912830, ClinGen allele CA352739774.

ClinVar aggregate classification (germline): Pathogenic (1 of 4 stars; one submission).

Submission:

Labcorp Genetics (formerly Invitae), Labcorp
Classification: Pathogenic. Last evaluated: 2022-01-16. Review status: criteria provided, single submitter. Criteria: Invitae Variant Classification Sherloc (09022015). Collection method: clinical testing. Allele origin: germline.
Comment: For these reasons, this variant has been classified as Pathogenic. Algorithms developed to predict the effect of sequence changes on RNA splicing suggest that this variant may create or strengthen a splice site. This premature translational stop signal has been observed in individual(s) with autosomal recessive epidermolysis bullosa dystrophica (PMID: 7883979). This variant is not present in population databases (gnomAD no frequency). This sequence change creates a premature translational stop signal (p.Tyr311*) in the COL7A1 gene. It is expected to result in an absent or disrupted protein product. Loss-of-function variants in COL7A1 are known to be pathogenic (PMID: 16971478).

Literature cited by the submitters: PubMed 7883979; PubMed 16971478.